The following is an entry in ClinVar:

NM_014585.6(SLC40A1):c.262A>G (p.Arg88Gly)

Gene: SLC40A1 (solute carrier family 40 member 1; minus strand). Cytogenetic location: 2q32.2.
Variant type: single nucleotide variant.
Coding change: c.262A>G on transcript NM_014585.6 (MANE Select); coding-DNA position 262, A replaced by G.
Protein change: p.Arg88Gly; replaces arginine 88 with glycine.
Molecular consequence: missense variant.
Genome position (GRCh38, 1-based): chr2:189,575,170, T>C on the plus strand (A>G on the coding strand, the complement: SLC40A1 is on the minus strand). VCF-style: chr2-189575170-T-C. GRCh37 (hg19) VCF-style: chr2-190439896-T-C.
Other names: short protein forms R88G.
Identifiers: ClinVar variation 56155 (VCV000056155.5), dbSNP rs387907374, ClinGen allele CA215957.
Genomic context (GRCh38, chr2:189,575,170, plus strand): 5'-TCAGGCATTGGTCCCATGAATAAAAGGGCTTAATTATATAACAACACTCACCTTTAAGTC[T>C]AGCATTCTTGTCCACCCAGTCACCGATGATGGCTCCCAGGACCAGAACAGACCCTGCCAC-3'
Protein context (NP_055400.1, residues 78-98): IIGDWVDKNA[Arg88Gly]LKVAQTSLVV

ClinVar aggregate classification (germline): Pathogenic/Likely pathogenic. Review status: criteria provided, multiple submitters, no conflicts (2 of 4 stars). 4 submissions from 4 submitters: Pathogenic (2); Likely pathogenic (1). 1 of the submissions does not count toward it. Last evaluated 2026-04-03.

Conditions:
SLC40A1-related disorder. Also called: SLC40A1-related condition.
Hemochromatosis type 4 (HFE4). Also called: Ferroportin disease; HEMOCHROMATOSIS DUE TO DEFECT IN FERROPORTIN; HEMOCHROMATOSIS, AUTOSOMAL DOMINANT. Identifiers: Orphanet 139491, Orphanet 647834, Orphanet 648562, MedGen C1853733, MONDO:0011631, OMIM 606069.

Allele frequency attached by ClinVar (database versions not stated): gnomAD exomes below 0.00001.
gnomAD v4.1: 1 of 1,614,054 alleles (0.000062%); highest among the groups gnomAD compares: Non-Finnish European, 0.000085%; no homozygotes.

Submissions (4):

PreventionGenetics, part of Exact Sciences
Classification: Pathogenic for SLC40A1-related condition. Last evaluated: 2026-04-03. Review status: criteria provided, single submitter. Criteria: ACMG Guidelines, 2015. Collection method: clinical testing. Allele origin: germline.
Comment: The SLC40A1 c.262A>G variant is predicted to result in the amino acid substitution p.Arg88Gly. This variant has been reported in patients with hyperferritinemia and in vitro functional studies showed the p.Arg88Gly variant results in loss of function of ferroportin (Cunat et al 2007. PubMed ID: 17951290; Callebaut et al 2014. PubMed ID: 24714983; Détivaud et al. 2013. PubMed ID: 23943237). This variant has not been reported in a large population database (gnomAD), indicating this variant is rare. This variant is interpreted as pathogenic.

Labcorp Genetics (formerly Invitae), Labcorp
Classification: Pathogenic for Hemochromatosis type 4. Last evaluated: 2025-10-27. Review status: criteria provided, single submitter. Criteria: Invitae Variant Classification Sherloc (09022015). Collection method: clinical testing. Allele origin: germline.
Comment: This sequence change replaces arginine, which is basic and polar, with glycine, which is neutral and non-polar, at codon 88 of the SLC40A1 protein (p.Arg88Gly). This variant is not present in population databases (gnomAD no frequency). This missense change has been observed in individuals with hemochromatosis (PMID: 21199650, 24714983). ClinVar contains an entry for this variant (Variation ID: 56155). Invitae Evidence Modeling of protein sequence and biophysical properties (such as structural, functional, and spatial information, amino acid conservation, physicochemical variation, residue mobility, and thermodynamic stability) indicates that this missense variant is expected to disrupt SLC40A1 protein function with a positive predictive value of 95%. Experimental studies have shown that this missense change affects SLC40A1 function (PMID: 23943237, 24714983). This variant disrupts the p.Arg88 amino acid residue in SLC40A1. Other variant(s) that disrupt this residue have been determined to be pathogenic (PMID: 16257244). This suggests that this residue is clinically significant, and that variants that disrupt this residue are likely to be disease-causing. For these reasons, this variant has been classified as Pathogenic.

Laboratory of Molecular Genetics and Genomics, Rennes University Hospital
Classification: Likely pathogenic for Hemochromatosis type 4. Last evaluated: 2020-07-01. Review status: criteria provided, single submitter. Criteria: ACMG Guidelines, 2015. Collection method: clinical testing. Allele origin: germline. Affected: yes.

Laboratoire de Génétique Moléculaire, CHU Pontchaillou
No classification provided. Review status: no classification provided. Collection method: not provided. Allele origin: germline. Not counted in ClinVar's aggregate classification.

Literature cited by the submitters: PubMed 21199650 (cited by Labcorp Genetics (formerly Invitae), Labcorp and Laboratory of Molecular Genetics and Genomics, Rennes University Hospital); PubMed 24714983 (cited by Labcorp Genetics (formerly Invitae), Labcorp); PubMed 23943237 (cited by Labcorp Genetics (formerly Invitae), Labcorp); PubMed 16257244 (cited by Labcorp Genetics (formerly Invitae), Labcorp); PubMed 17951290 (cited by Laboratory of Molecular Genetics and Genomics, Rennes University Hospital).